The following is an entry in ClinVar:

ClinVar aggregate classification (germline): Uncertain significance (1 of 4 stars; one submission).

Submission:

Labcorp Genetics (formerly Invitae), Labcorp
Classification: Uncertain significance. Last evaluated: 2025-03-09. Review status: criteria provided, single submitter. Criteria: Invitae Variant Classification Sherloc (09022015). Collection method: clinical testing. Allele origin: germline.
Comment: This sequence change falls in intron 14 of the LZTR1 gene. It does not directly change the encoded amino acid sequence of the LZTR1 protein. It affects a nucleotide within the consensus splice site. This variant is present in population databases (no rsID available, gnomAD 0.007%). This variant has not been reported in the literature in individuals affected with LZTR1-related conditions. Variants that disrupt the consensus splice site are a relatively common cause of aberrant splicing (PMID: 17576681, 9536098). Algorithms developed to predict the effect of sequence changes on RNA splicing suggest that this variant is not likely to affect RNA splicing. In summary, the available evidence is currently insufficient to determine the role of this variant in disease. Therefore, it has been classified as a Variant of Uncertain Significance.

Literature cited by the submitters: PubMed 17576681; PubMed 9536098.

NM_006767.4(LZTR1):c.1615+3C>G

Gene: LZTR1 (leucine zipper like post translational regulator 1; plus strand). Cytogenetic location: 22q11.21.
Variant type: single nucleotide variant.
Coding change: c.1615+3C>G on transcript NM_006767.4 (MANE Select); 3 bases into the intron after coding-DNA position 1615, C replaced by G.
Molecular consequence: intron variant.
Genome position (GRCh38, 1-based): chr22:20,994,272, C>G. VCF-style: chr22-20994272-C-G. GRCh37 (hg19) VCF-style: chr22-21348561-C-G.
Identifiers: ClinVar variation 4807242 (VCV004807242.1).